The following is an entry in ClinVar:

ClinVar aggregate classification (germline): Uncertain significance (1 of 4 stars; one submission).

Allele frequency attached by ClinVar (database versions not stated): gnomAD exomes below 0.00001.
gnomAD v4.1: 1 of 1,613,810 alleles (0.000062%); highest among the groups gnomAD compares: Admixed American, 0.0017%; no homozygotes.

Submission:

Women's Health and Genetics/Laboratory Corporation of America, LabCorp
Classification: Uncertain significance. Last evaluated: 2020-08-17. Review status: criteria provided, single submitter. Criteria: LabCorp Variant Classification Summary - May 2015. Collection method: clinical testing. Allele origin: germline.
Comment: Variant summary: AKAP9 c.4528T>G (p.Phe1510Val) results in a non-conservative amino acid change in the encoded protein sequence. Three of five in-silico tools predict a benign effect of the variant on protein function. The variant allele was found at a frequency of 4e-06 in 250610 control chromosomes (gnomAD). The available data on variant occurrences in the general population are insufficient to allow any conclusion about variant significance. To our knowledge, no occurrence of c.4528T>G in individuals affected with Long QT Syndrome and no experimental evidence demonstrating its impact on protein function have been reported. No clinical diagnostic laboratories have submitted clinical-significance assessments for this variant to ClinVar after 2014. Based on the evidence outlined above, the variant was classified as uncertain significance.

NM_005751.5(AKAP9):c.4528T>G (p.Phe1510Val)

Gene: AKAP9 (A-kinase anchoring protein 9; plus strand). Cytogenetic location: 7q21.2.
Variant type: single nucleotide variant.
Coding change: c.4528T>G on transcript NM_005751.5 (MANE Select); coding-DNA position 4528, T replaced by G.
Protein change: p.Phe1510Val; replaces phenylalanine 1510 with valine.
Molecular consequence: missense variant.
Genome position (GRCh38, 1-based): chr7:92,038,608, T>G. VCF-style: chr7-92038608-T-G. GRCh37 (hg19) VCF-style: chr7-91667922-T-G.
Other names: c.4528T>G, p.Phe1510Val (NM_147185.3); short protein forms F1510V.
Identifiers: ClinVar variation 977693 (VCV000977693.1), dbSNP rs1206384770, ClinGen allele CA368128967.